The following is an entry in ClinVar:

NM_002700.3(POU4F3):c.680C>T (p.Thr227Ile)

Genes: POU4F3 (POU class 4 homeobox 3; plus strand), LOC127814297 (RBM27-POU4F3; plus strand). Cytogenetic location: 5q32.
Variant type: single nucleotide variant.
Coding change: c.680C>T on transcript NM_002700.3 (MANE Select); coding-DNA position 680, C replaced by T.
Protein change: p.Thr227Ile; replaces threonine 227 with isoleucine.
Molecular consequence: missense variant.
Genome position (GRCh38, 1-based): chr5:146,340,107, C>T. VCF-style: chr5-146340107-C-T. GRCh37 (hg19) VCF-style: chr5-145719670-C-T.
Other names: short protein forms T227I.
Identifiers: ClinVar variation 1313178 (VCV001313178.3), dbSNP rs2126961767, ClinGen allele CA361621866.
Genomic context (GRCh38, chr5:146,340,107, plus strand): 5'-ACGTGGGCGCGGCTCTGGCTAATCTCAAGATCCCCGGCGTGGGCTCGCTGAGCCAAAGCA[C>T]CATCTGCAGGTTCGAGTCTCTCACTCTCTCGCACAACAACATGATCGCTCTCAAGCCGGT-3'
Protein context (NP_002691.1, residues 217-237): IPGVGSLSQS[Thr227Ile]ICRFESLTLS

ClinVar aggregate classification (germline): Uncertain significance (1 of 4 stars; one submission).

Submission:

GeneDx
Classification: Uncertain significance. Last evaluated: 2024-12-06. Review status: criteria provided, single submitter. Criteria: GeneDx Variant Classification Process June 2021. Collection method: clinical testing. Allele origin: germline. Affected: yes.
Comment: Not observed at significant frequency in large population cohorts (gnomAD); In silico analysis supports that this missense variant has a deleterious effect on protein structure/function; Has not been previously published as pathogenic or benign to our knowledge